The following is an entry in ClinVar:

ClinVar aggregate classification (germline): Uncertain significance (0 of 4 stars; one submission).

Conditions:
MET-related disorder. Also called: MET-related condition.

Submission:

PreventionGenetics, part of Exact Sciences
Classification: Uncertain significance for MET-related condition. Last evaluated: 2024-08-16. Review status: no assertion criteria provided. Collection method: clinical testing. Allele origin: germline.
Comment: The MET c.1196delA variant is predicted to result in a frameshift and premature protein termination (p.Asn399Ilefs*5). To our knowledge, this variant has not been reported in the literature or in gnomAD, indicating this variant is rare. This variant has not been reported in ClinVar. Loss of function is not an established mechanism of MET-related disease. At this time, the clinical significance of this variant is uncertain due to the absence of conclusive functional and genetic evidence.

NM_000245.4(MET):c.1196del (p.Asn399fs)

Gene: MET (MET proto-oncogene, receptor tyrosine kinase; plus strand). Cytogenetic location: 7q31.2.
Variant type: Deletion.
Coding change: c.1196del on transcript NM_000245.4 (MANE Select); coding-DNA position 1196, one base deleted (A; older notation c.1196delA).
Protein change: p.Asn399fs; shifts the reading frame from asparagine 399.
Molecular consequence: frameshift variant. On other transcripts: intron variant (1).
Genome position (GRCh38, 1-based): chr7:116,700,280, A deleted; the last of 2 consecutive A bases (chr7:116,700,279-116,700,280); deleting either gives the same sequence. VCF-style (leftmost placement, unchanged base first): chr7-116700278-TA-T. GRCh37 (hg19) VCF-style: chr7-116340332-TA-T.
Other names: c.1196del, p.Asn399fs (NM_001127500.3, NM_001324401.3); c.-91+27703del (NM_001324402.2); short protein forms N399fs.
Identifiers: ClinVar variation 3347915 (VCV003347915.1).